The following is an entry in ClinVar:

ClinVar aggregate classification (germline): Uncertain significance. Review status: criteria provided, multiple submitters, no conflicts (2 of 4 stars). 2 submissions from 2 submitters: Uncertain significance (2). Last evaluated 2025-01-14.

Conditions:
Hereditary cancer-predisposing syndrome. Also called: Hereditary Cancer Syndrome; Hereditary neoplastic syndrome; Tumor predisposition; Neoplastic Syndromes, Hereditary. Identifiers: Orphanet 140162, MedGen C0027672, MeSH D009386, MONDO:0015356.

Submissions (2):

Ambry Genetics
Classification: Uncertain significance for Hereditary cancer-predisposing syndrome. Last evaluated: 2025-01-14. Review status: criteria provided, single submitter. Criteria: Ambry Variant Classification Scheme 2023. Collection method: clinical testing. Allele origin: germline.

GeneDx
Classification: Uncertain significance. Last evaluated: 2014-02-15. Review status: criteria provided, single submitter. Criteria: GeneDx Variant Classification (06012015). Collection method: clinical testing. Allele origin: germline. Affected: yes.
Comment: This variant is denoted APC c.3070C>T at the cDNA level, p.Pro1024Ser (P1024S) at the protein level, and results in the change of a Proline to a Serine (CCA>TCA). This variant has not, to our knowledge, been published in the literature as pathogenic or benign. APC Pro1024Ser was not observed in approximately 6,500 individuals of European and African American ancestry in the NHLBI Exome Sequencing Project, indicating it is not a common benign variant in these populations. This variant is a non-conservative substitution in which a neutral non-polar amino acid is replaced with a neutral polar one, altering a position that is well conserved throughout evolution and is located in the beta-catenin down-regulating domain (Azzopardi 2008). Multiple in silico algorithms predict that this variant may be damaging to protein structure and function. Based on the currently available information, we consider APC Pro1024Ser to be a variant of uncertain significance.

NM_000038.6(APC):c.3070C>T (p.Pro1024Ser)

Gene: APC (APC regulator of Wnt signaling pathway; plus strand). Cytogenetic location: 5q22.2.
Variant type: single nucleotide variant.
Coding change: c.3070C>T on transcript NM_000038.6 (MANE Select); coding-DNA position 3070, C replaced by T.
Protein change: p.Pro1024Ser; replaces proline 1024 with serine.
Molecular consequence: missense variant.
Genome position (GRCh38, 1-based): chr5:112,838,664, C>T. VCF-style: chr5-112838664-C-T. GRCh37 (hg19) VCF-style: chr5-112174361-C-T.
Other names: p.P1024S:CCA>TCA; c.3070C>T, p.Pro1024Ser (NM_001127510.3, NM_001354895.2); c.3016C>T, p.Pro1006Ser (NM_001127511.3); c.3124C>T, p.Pro1042Ser (NM_001354896.2); c.3100C>T, p.Pro1034Ser (NM_001354897.2); c.2995C>T, p.Pro999Ser (NM_001354898.2); c.2986C>T, p.Pro996Ser (NM_001354899.2); c.2947C>T, p.Pro983Ser (NM_001354900.2); and 6 more; short protein forms P1024S, P1006S, P898S, P965S, P1042S, P741S, P923S, P933S.
Identifiers: ClinVar variation 127283 (VCV000127283.3), dbSNP rs587779785, ClinGen allele CA008017.